The following is an entry in ClinVar:

NM_001244008.2(KIF1A):c.4145C>T (p.Ala1382Val)

Gene: KIF1A (kinesin family member 1A; minus strand). Cytogenetic location: 2q37.3.
Variant type: single nucleotide variant.
Coding change: c.4145C>T on transcript NM_001244008.2 (MANE Select); coding-DNA position 4145, C replaced by T.
Protein change: p.Ala1382Val; replaces alanine 1382 with valine.
Molecular consequence: missense variant.
Genome position (GRCh38, 1-based): chr2:240,725,382, G>A on the plus strand (C>T on the coding strand, the complement: KIF1A is on the minus strand). VCF-style: chr2-240725382-G-A. GRCh37 (hg19) VCF-style: chr2-241664799-G-A.
Other names: c.3869C>T, p.Ala1290Val (NM_001320705.2, NM_001379649.1); c.3896C>T, p.Ala1299Val (NM_001330289.2); c.3944C>T, p.Ala1315Val (NM_001330290.2, NM_001379648.1); c.4220C>T, p.Ala1407Val (NM_001379631.1); c.4121C>T, p.Ala1374Val (NM_001379632.1); c.4118C>T, p.Ala1373Val (NM_001379633.1, NM_001379645.1); c.3971C>T, p.Ala1324Val (NM_001379634.1); c.3968C>T, p.Ala1323Val (NM_001379635.1, NM_001379646.1); and 7 more; short protein forms A1374V, A1281V, A1289V, A1299V, A1407V, A1298V, A1319V, A1373V.
Identifiers: ClinVar variation 2169961 (VCV002169961.4), dbSNP rs1384802230, ClinGen allele CA351308245.
Genomic context (GRCh38, chr2:240,725,382, plus strand): 5'-GAGGCTGGCAGCTTGGCATCACGGGAATAGAAGACCATGCAGAAGTCCTTGGTGACAACA[G>A]CCGGCTGGGTGCAGTTCTCCATCTGAGATAGGCGGGAGCAGGACTCAGGCACAAGGACAC-3'
Protein context (NP_001230937.1, residues 1372-1392): YIEMENCTQP[Ala1382Val]VVTKDFCMVF

ClinVar aggregate classification (germline): Uncertain significance (1 of 4 stars; one submission).

Conditions:
Hereditary spastic paraplegia 30. Identifiers: Orphanet 101010, MedGen C5235139, MONDO:0012476.
Neuropathy, hereditary sensory, type 2C. Also called: Hereditary sensory and autonomic neuropathy type IIC; KIF1A-Related HSAN2 (HSAN2C). Identifiers: Orphanet 970, MedGen C3280168, MONDO:0013634, OMIM 614213.
Intellectual disability, autosomal dominant 9 (NESCAVS). Also called: NESCAV SYNDROME; KIF1A-Related Neurodevelopmental Disorder. Identifiers: Orphanet 662367, MedGen C5393830, MONDO:0013656, OMIM 614255.

Allele frequency attached by ClinVar (database versions not stated): gnomAD exomes below 0.00001; gnomAD 0.00001; TOPMed 0.00001.
gnomAD v4.1: 3 of 1,612,298 alleles (0.00019%); highest among the groups gnomAD compares: Non-Finnish European, 0.00025%; no homozygotes.

Submission:

Labcorp Genetics (formerly Invitae), Labcorp
Classification: Uncertain significance for Hereditary spastic paraplegia 30; Neuropathy, hereditary sensory, type 2C; Intellectual disability, autosomal dominant 9. Last evaluated: 2023-11-18. Review status: criteria provided, single submitter. Criteria: Invitae Variant Classification Sherloc (09022015). Collection method: clinical testing. Allele origin: germline.
Comment: This sequence change replaces alanine, which is neutral and non-polar, with valine, which is neutral and non-polar, at codon 1281 of the KIF1A protein (p.Ala1281Val). This variant is not present in population databases (gnomAD no frequency). This variant has not been reported in the literature in individuals affected with KIF1A-related conditions. ClinVar contains an entry for this variant (Variation ID: 2169961). Advanced modeling of protein sequence and biophysical properties (such as structural, functional, and spatial information, amino acid conservation, physicochemical variation, residue mobility, and thermodynamic stability) performed at Invitae indicates that this missense variant is not expected to disrupt KIF1A protein function with a negative predictive value of 95%. In summary, the available evidence is currently insufficient to determine the role of this variant in disease. Therefore, it has been classified as a Variant of Uncertain Significance.